The following is an entry in ClinVar:

ClinVar aggregate classification (germline): Pathogenic (1 of 4 stars; one submission).

Conditions:
Hereditary spastic paraplegia 15 (SPG15). Also called: SPASTIC PARAPLEGIA 15, AUTOSOMAL RECESSIVE; KJELLIN SYNDROME; SPASTIC PARAPLEGIA AND RETINAL DEGENERATION. Identifiers: Orphanet 100996, MedGen C1849128, MONDO:0010044, OMIM 270700.

Submission:

Myriad Genetics, Inc.
Classification: Pathogenic for Hereditary spastic paraplegia 15. Last evaluated: 2024-10-09. Review status: criteria provided, single submitter. Criteria: Myriad Autosomal Dominant, Autosomal Recessive and X-Linked Classification Criteria (2023). Collection method: clinical testing. Allele origin: unknown.
Comment: NM_015346.3(ZFYVE26):c.6645delG(K2216Sfs*9) is expected to be pathogenic in the context of spastic paraplegia type 15. This variant is predicted to lead to an abnormal or absent protein product due to the creation of a premature termination codon in ZFYVE26, a gene where loss-of-function variants are known to be pathogenic. Please note: this variant was assessed in the context of healthy population screening.

NM_015346.4(ZFYVE26):c.6645del (p.Lys2216fs)

Gene: ZFYVE26 (zinc finger FYVE-type containing 26; minus strand). Cytogenetic location: 14q24.1.
Variant type: Deletion.
Coding change: c.6645del on transcript NM_015346.4 (MANE Select); coding-DNA position 6645, one base deleted (G; older notation c.6645delG).
Protein change: p.Lys2216fs; shifts the reading frame from lysine 2216.
Molecular consequence: frameshift variant.
Genome position (GRCh38, 1-based): chr14:67,756,089, C deleted on the plus strand (G on the coding strand, the reverse complement: ZFYVE26 is on the minus strand); the first of 3 consecutive C bases (chr14:67,756,089-67,756,091); deleting any one gives the same sequence. VCF-style (leftmost placement, unchanged base first): chr14-67756088-TC-T. GRCh37 (hg19) VCF-style: chr14-68222805-TC-T.
Other names: short protein forms K2216fs.
Identifiers: ClinVar variation 5013629 (VCV005013629.1).
Genomic context (GRCh38, chr14:67,756,088, plus strand): 5'-TTCCCCAGCTCTCCAAGGTTGGATCAATGGATTCTAGCAAGTTCTCCAAAGTGTGTAGCT[TC>T]CCACTTTTATAGCTTGGTTGGAAAATGCCTTCTATAAAAACTTCTGGAGGACTCTCCTGG-3'